The following is an entry in ClinVar:

NM_178452.6(DNAAF1):c.1031-5A>T

Gene: DNAAF1 (dynein axonemal assembly factor 1; plus strand). Cytogenetic location: 16q24.1.
Variant type: single nucleotide variant.
Coding change: c.1031-5A>T on transcript NM_178452.6 (MANE Select); 5 bases into the intron before coding-DNA position 1031, A replaced by T.
Molecular consequence: intron variant.
Genome position (GRCh38, 1-based): chr16:84,169,854, A>T. VCF-style: chr16-84169854-A-T. GRCh37 (hg19) VCF-style: chr16-84203460-A-T.
Other names: c.323-5A>T (NM_001318756.1).
Identifiers: ClinVar variation 242156 (VCV000242156.27), dbSNP rs79772571, ClinGen allele CA8202746.
Genomic context (GRCh38, chr16:84,169,854, plus strand): 5'-TACCCACAAACACCCTTGTCCTCCCAGGACACTCCCACATTCACCTTTGCATTTTCTGCC[A>T]TTAGGGGAGATGACATCTTCAGATGATGGTGAGAATGTGCCCGCCAGTGCGGAAGGCAAG-3'

ClinVar aggregate classification (germline): Conflicting classifications of pathogenicity. Review status: criteria provided, conflicting classifications (1 of 4 stars). 9 submissions from 9 submitters: Uncertain significance (1); Benign (3); Likely benign (3). 2 of the submissions do not count toward it. Last evaluated 2026-01-19.

Conditions:
Primary ciliary dyskinesia. Also called: Ciliary dyskinesia. Identifiers: Orphanet 244, MedGen C0008780, MONDO:0016575, HP:0012265.
Primary ciliary dyskinesia 13. Also called: CILIARY DYSKINESIA, PRIMARY, 13, WITH OR WITHOUT SITUS INVERSUS. Identifiers: Orphanet 244, MedGen C2750790, MONDO:0013174, OMIM 613193.

Allele frequency attached by ClinVar (database versions not stated): 1000 Genomes Project 30x 0.00078; 1000 Genomes Project 0.00080; ESP Exome Variant Server 0.00115; TOPMed 0.00115; gnomAD 0.00118; gnomAD exomes 0.00156; ExAC 0.00178.
gnomAD v4.1: 2,429 of 1,613,494 alleles (0.15%); highest among the groups gnomAD compares: Non-Finnish European, 0.17%; 4 homozygotes.

Submissions (9):

Labcorp Genetics (formerly Invitae), Labcorp
Classification: Benign for Primary ciliary dyskinesia. Last evaluated: 2026-01-19. Review status: criteria provided, single submitter. Criteria: Invitae Variant Classification Sherloc (09022015). Collection method: clinical testing. Allele origin: germline.

Blueprint Genetics
Classification: Likely benign. Last evaluated: 2024-11-25. Review status: criteria provided, single submitter. Criteria: ACMG Guidelines, 2015. Collection method: clinical testing. Allele origin: germline.

Illumina Laboratory Services, Illumina
Classification: Uncertain significance for Primary ciliary dyskinesia 13. Last evaluated: 2018-01-12. Review status: criteria provided, single submitter. Criteria: ICSL Variant Classification Criteria 13 December 2019. Collection method: clinical testing. Allele origin: germline.

Ambry Genetics
Classification: Benign for Primary ciliary dyskinesia. Last evaluated: 2017-05-22. Review status: criteria provided, single submitter. Criteria: Ambry Variant Classification Scheme 2023. Collection method: clinical testing. Allele origin: germline.

GeneDx
Classification: Likely benign. Last evaluated: 2017-04-14. Review status: criteria provided, single submitter. Criteria: GeneDx Variant Classification (06012015). Collection method: clinical testing. Allele origin: germline. Affected: yes.
Comment: This variant is considered likely benign or benign based on one or more of the following criteria: it is a conservative change, it occurs at a poorly conserved position in the protein, it is predicted to be benign by multiple in silico algorithms, and/or has population frequency not consistent with disease.

Eurofins Ntd Llc (ga)
Classification: Benign. Last evaluated: 2016-09-29. Review status: criteria provided, single submitter. Criteria: EGL Classification Definitions 2015. Collection method: clinical testing. Allele origin: germline. Observed: 1 variant allele, 1 heterozygote.

PreventionGenetics, part of Exact Sciences
Classification: Likely benign. Review status: criteria provided, single submitter. Criteria: ACMG Guidelines, 2015. Collection method: clinical testing. Allele origin: germline.

Clinical Genetics DNA and cytogenetics Diagnostics Lab, Erasmus MC, Erasmus Medical Center
Classification: Likely benign. Review status: no assertion criteria provided. Collection method: clinical testing. Allele origin: germline. Affected: yes. Study: VKGL Data-share Consensus. Not counted in ClinVar's aggregate classification.

Diagnostic Laboratory, Department of Genetics, University Medical Center Groningen
Classification: Likely benign. Review status: no assertion criteria provided. Collection method: clinical testing. Allele origin: germline. Affected: yes. Study: VKGL Data-share Consensus. Not counted in ClinVar's aggregate classification.